The following is an entry in ClinVar:

NM_014244.5(ADAMTS2):c.2034G>A (p.Thr678=)

Gene: ADAMTS2 (ADAM metallopeptidase with thrombospondin type 1 motif 2; minus strand). Cytogenetic location: 5q35.3.
Variant type: single nucleotide variant.
Coding change: c.2034G>A on transcript NM_014244.5 (MANE Select); coding-DNA position 2034, G replaced by A.
Protein change: p.Thr678=; no amino-acid change (threonine 678 retained).
Molecular consequence: synonymous variant.
Genome position (GRCh38, 1-based): chr5:179,135,960, C>T on the plus strand (G>A on the coding strand, the complement: ADAMTS2 is on the minus strand). VCF-style: chr5-179135960-C-T. GRCh37 (hg19) VCF-style: chr5-178562961-C-T.
Identifiers: ClinVar variation 537404 (VCV000537404.15), dbSNP rs139943837, ClinGen allele CA3595707.
Genomic context (GRCh38, chr5:179,135,960, plus strand): 5'-TGTACTCACCCTGCAGTCCCCGCGCACACAGAGGCTGAAGGCGTCCTTGTAGGAGCAGCG[C>T]GTCCCGTCATGCACCATGCGCTTCATGGACACCACCTCCCCGGTCTCCCTGGACTCGCAG-3'
Protein context (NP_055059.2, residues 668-688): VSMKRMVHDG[Thr678=]RCSYKDAFSL

ClinVar aggregate classification (germline): Likely benign. Review status: criteria provided, multiple submitters, no conflicts (2 of 4 stars). 3 submissions from 3 submitters: Likely benign (2). 1 of the submissions does not count toward it. Last evaluated 2026-06-26.

Conditions:
Ehlers-Danlos syndrome, dermatosparaxis type. Also called: Dermatosparaxis; Ehlers-Danlos syndrome, type VII, autosomal recessive; EDS VIIC. Identifiers: Orphanet 1901, MedGen C2700425, MONDO:0009161, OMIM 225410.
ADAMTS2-related disorder. Also called: ADAMTS2-related condition.

Allele frequency attached by ClinVar (database versions not stated): gnomAD 0.00003; gnomAD exomes 0.00006 and 0.00002; TOPMed 0.00003; ExAC 0.00003; ESP Exome Variant Server 0.00008.
gnomAD v4.1: 94 of 1,613,270 alleles (0.0058%); highest among the groups gnomAD compares: Admixed American, 0.015%; no homozygotes.

Submissions (3):

Women's Health and Genetics/Laboratory Corporation of America, LabCorp
Classification: Likely benign. Last evaluated: 2026-06-26. Review status: criteria provided, single submitter. Criteria: LabCorp Variant Classification Summary - May 2015. Collection method: clinical testing. Allele origin: germline.

Labcorp Genetics (formerly Invitae), Labcorp
Classification: Likely benign for Ehlers-Danlos syndrome, dermatosparaxis type. Last evaluated: 2025-12-21. Review status: criteria provided, single submitter. Criteria: Invitae Variant Classification Sherloc (09022015). Collection method: clinical testing. Allele origin: germline.

PreventionGenetics, part of Exact Sciences
Classification: Likely benign for ADAMTS2-related condition. Last evaluated: 2020-07-09. Review status: no assertion criteria provided. Collection method: clinical testing. Allele origin: germline. Not counted in ClinVar's aggregate classification.
Comment: This variant is classified as likely benign based on ACMG/AMP sequence variant interpretation guidelines (Richards et al. 2015 PMID: 25741868, with internal and published modifications).